The following is an entry in ClinVar:

ClinVar aggregate classification (germline): Likely benign. Review status: criteria provided, single submitter (1 of 4 stars). 2 submissions from 2 submitters: Likely benign (1). 1 of the submissions does not count toward it. Last evaluated 2025-02-18.

Conditions:
F12-related disorder. Also called: F12-related condition; F12-related disorders. Identifiers: MedGen CN239389.

Allele frequency attached by ClinVar (database versions not stated): gnomAD exomes 0.00003; ExAC 0.00014; gnomAD 0.00027; TOPMed 0.00031.
gnomAD v4.1: 79 of 1,602,696 alleles (0.0049%); highest among the groups gnomAD compares: African/African-American, 0.091%; no homozygotes.

Submissions (2):

Labcorp Genetics (formerly Invitae), Labcorp
Classification: Likely benign. Last evaluated: 2025-02-18. Review status: criteria provided, single submitter. Criteria: Invitae Variant Classification Sherloc (09022015). Collection method: clinical testing. Allele origin: germline.

PreventionGenetics, part of Exact Sciences
Classification: Likely benign for F12-related condition. Last evaluated: 2019-06-04. Review status: no assertion criteria provided. Collection method: clinical testing. Allele origin: germline. Not counted in ClinVar's aggregate classification.
Comment: This variant is classified as likely benign based on ACMG/AMP sequence variant interpretation guidelines (Richards et al. 2015 PMID: 25741868, with internal and published modifications).

NM_000505.4(F12):c.1125C>G (p.Gly375=)

Gene: F12 (coagulation factor XII; minus strand). Cytogenetic location: 5q35.3.
Variant type: single nucleotide variant.
Coding change: c.1125C>G on transcript NM_000505.4 (MANE Select); coding-DNA position 1125, C replaced by G.
Protein change: p.Gly375=; no amino-acid change (glycine 375 retained).
Molecular consequence: synonymous variant.
Genome position (GRCh38, 1-based): chr5:177,403,984, G>C on the plus strand (C>G on the coding strand, the complement: F12 is on the minus strand). VCF-style: chr5-177403984-G-C. GRCh37 (hg19) VCF-style: chr5-176830985-G-C.
Identifiers: ClinVar variation 2077756 (VCV002077756.6), dbSNP rs759948258, ClinGen allele CA3581259.